The following is an entry in ClinVar:

NM_018847.4(KLHL9):c.374C>T (p.Thr125Ile)

Gene: KLHL9 (kelch like family member 9; minus strand). Cytogenetic location: 9p21.3.
Variant type: single nucleotide variant.
Coding change: c.374C>T on transcript NM_018847.4 (MANE Select); coding-DNA position 374, C replaced by T.
Protein change: p.Thr125Ile; replaces threonine 125 with isoleucine.
Molecular consequence: missense variant.
Genome position (GRCh38, 1-based): chr9:21,334,486, G>A on the plus strand (C>T on the coding strand, the complement: KLHL9 is on the minus strand). VCF-style: chr9-21334486-G-A. GRCh37 (hg19) VCF-style: chr9-21334485-G-A.
Other names: short protein forms T125I.
Identifiers: ClinVar variation 2074016 (VCV002074016.4), dbSNP rs750317452, ClinGen allele CA5010660.

ClinVar aggregate classification (germline): Uncertain significance (1 of 4 stars; one submission).

Allele frequency attached by ClinVar (database versions not stated): gnomAD 0.00001; gnomAD exomes 0.00001; ExAC 0.00003.

Submission:

Labcorp Genetics (formerly Invitae), Labcorp
Classification: Uncertain significance. Last evaluated: 2025-06-25. Review status: criteria provided, single submitter. Criteria: Invitae Variant Classification Sherloc (09022015). Collection method: clinical testing. Allele origin: germline.
Comment: This sequence change replaces threonine, which is neutral and polar, with isoleucine, which is neutral and non-polar, at codon 125 of the KLHL9 protein (p.Thr125Ile). The frequency data for this variant in the population databases is considered unreliable, as metrics indicate poor data quality at this position in the gnomAD database. This variant has not been reported in the literature in individuals affected with KLHL9-related conditions. ClinVar contains an entry for this variant (Variation ID: 2074016). Invitae Evidence Modeling of protein sequence and biophysical properties (such as structural, functional, and spatial information, amino acid conservation, physicochemical variation, residue mobility, and thermodynamic stability) indicates that this missense variant is not expected to disrupt KLHL9 protein function with a negative predictive value of 80%. In summary, the available evidence is currently insufficient to determine the role of this variant in disease. Therefore, it has been classified as a Variant of Uncertain Significance.